The following is an entry in ClinVar:

NM_002860.4(ALDH18A1):c.2032G>A (p.Val678Met)

Gene: ALDH18A1 (aldehyde dehydrogenase 18 family member A1; minus strand). Cytogenetic location: 10q24.1.
Variant type: single nucleotide variant.
Coding change: c.2032G>A on transcript NM_002860.4 (MANE Select); coding-DNA position 2032, G replaced by A.
Protein change: p.Val678Met; replaces valine 678 with methionine.
Molecular consequence: missense variant.
Genome position (GRCh38, 1-based): chr10:95,611,334, C>T on the plus strand (G>A on the coding strand, the complement: ALDH18A1 is on the minus strand). VCF-style: chr10-95611334-C-T. GRCh37 (hg19) VCF-style: chr10-97371091-C-T.
Other names: c.1396G>A, p.Val466Met (NM_001323419.2); c.2026G>A, p.Val676Met (NM_001017423.2, NM_001323415.2); c.1699G>A, p.Val567Met (NM_001323412.2, NM_001323416.2); c.2032G>A, p.Val678Met (NM_001323413.2, NM_001323414.2); c.1927G>A, p.Val643Met (NM_001323417.2); c.1693G>A, p.Val565Met (NM_001323418.2); short protein forms V643M, V678M, V567M, V676M, V466M, V565M.
Identifiers: ClinVar variation 2946460 (VCV002946460.3), dbSNP rs2526705751, ClinGen allele CA377699958.

ClinVar aggregate classification (germline): Uncertain significance (1 of 4 stars; one submission).

Conditions:
Cutis laxa, autosomal dominant 3 (ADCL3). Identifiers: Orphanet 90348, MedGen C4225268, MONDO:0014706, OMIM 616603.
Autosomal dominant spastic paraplegia type 9. Identifiers: MedGen C1832669, MONDO:0015091.
de Barsy syndrome. Also called: Cutis laxa-corneal clouding-oligophrenia syndrome. Identifiers: Orphanet 2962, MedGen C0268354, MONDO:0017569.

Submission:

Labcorp Genetics (formerly Invitae), Labcorp
Classification: Uncertain significance for Autosomal dominant spastic paraplegia type 9; de Barsy syndrome; Cutis laxa, autosomal dominant 3. Last evaluated: 2023-04-09. Review status: criteria provided, single submitter. Criteria: Invitae Variant Classification Sherloc (09022015). Collection method: clinical testing. Allele origin: germline.
Comment: In summary, the available evidence is currently insufficient to determine the role of this variant in disease. Therefore, it has been classified as a Variant of Uncertain Significance. Advanced modeling of protein sequence and biophysical properties (such as structural, functional, and spatial information, amino acid conservation, physicochemical variation, residue mobility, and thermodynamic stability) performed at Invitae indicates that this missense variant is expected to disrupt ALDH18A1 protein function. This variant has not been reported in the literature in individuals affected with ALDH18A1-related conditions. This variant is not present in population databases (gnomAD no frequency). This sequence change replaces valine, which is neutral and non-polar, with methionine, which is neutral and non-polar, at codon 678 of the ALDH18A1 protein (p.Val678Met).